The following is an entry in ClinVar:

ClinVar aggregate classification (germline): Pathogenic/Likely pathogenic. Review status: criteria provided, multiple submitters, no conflicts (2 of 4 stars). 10 submissions from 10 submitters: Pathogenic (5); Likely pathogenic (1). 4 of the submissions do not count toward it. Last evaluated 2025-05-01.

Conditions:
SLC3A1-related disorder. Also called: SLC3A1-related condition.
Cystinuria (CSNU). Also called: CYSTINURIA, TYPE I; CYSTINURIA, TYPE II; CYSTINURIA, TYPE III; Cystinuria, non-type I. Identifiers: Orphanet 214, MedGen C0010691, MONDO:0009067, OMIM 220100, HP:0003131.

Allele frequency attached by ClinVar (database versions not stated): TOPMed 0.00002; 1000 Genomes Project 30x 0.00016.
gnomAD v4.1: 45 of 1,613,932 alleles (0.0028%); highest among the groups gnomAD compares: South Asian, 0.036%; 1 homozygote.

Submissions (10):

First Genomix Gene Laboratory, Genetic Diagnostics Department
Classification: Pathogenic for Cystinuria. Last evaluated: 2025-05-01. Review status: criteria provided, single submitter. Criteria: ACMG Guidelines, 2015. Collection method: clinical testing. Allele origin: germline. Inheritance: Autosomal recessive inheritance. Affected: no. Observed: 1 variant allele.

Genomic Research Center, Shahid Beheshti University of Medical Sciences
Classification: Pathogenic for Cystinuria. Last evaluated: 2024-12-03. Review status: criteria provided, single submitter. Criteria: ACMG Guidelines, 2015. Collection method: clinical testing. Allele origin: unknown. Affected: no.

Blueprint Genetics
Classification: Pathogenic for SLC3A1-related disorders. Last evaluated: 2024-05-23. Review status: criteria provided, single submitter. Criteria: ACMG Guidelines, 2015. Collection method: clinical testing. Allele origin: germline. Affected: yes. Observed: 3 variant alleles.

Genomic Medicine Center of Excellence, King Faisal Specialist Hospital and Research Centre
Classification: Likely pathogenic for Cystinuria. Last evaluated: 2024-03-14. Review status: criteria provided, single submitter. Criteria: ACMG Guidelines, 2015. Collection method: clinical testing. Allele origin: germline.

Labcorp Genetics (formerly Invitae), Labcorp
Classification: Pathogenic for Cystinuria. Last evaluated: 2023-12-27. Review status: criteria provided, single submitter. Criteria: Invitae Variant Classification Sherloc (09022015). Collection method: clinical testing. Allele origin: germline.
Comment: This sequence change replaces methionine, which is neutral and non-polar, with lysine, which is basic and polar, at codon 467 of the SLC3A1 protein (p.Met467Lys). This variant is present in population databases (rs121912691, gnomAD 0.05%). This missense change has been observed in individual(s) with SLC3A1-related conditions (PMID: 8054986, 19782624, 23532419, 28166740; Invitae). In at least one individual the data is consistent with being in trans (on the opposite chromosome) from a pathogenic variant. ClinVar contains an entry for this variant (Variation ID: 18116). Advanced modeling of protein sequence and biophysical properties (such as structural, functional, and spatial information, amino acid conservation, physicochemical variation, residue mobility, and thermodynamic stability) has been performed at Invitae for this missense variant, however the output from this modeling did not meet the statistical confidence thresholds required to predict the impact of this variant on SLC3A1 protein function. Experimental studies have shown that this missense change affects SLC3A1 function (PMID: 9083097, 18332091). This variant disrupts the p.Met467 amino acid residue in SLC3A1. Other variant(s) that disrupt this residue have been determined to be pathogenic (PMID: 8054986, 8792820, 21677404, 23532419). This suggests that this residue is clinically significant, and that variants that disrupt this residue are likely to be disease-causing. For these reasons, this variant has been classified as Pathogenic.

PreventionGenetics, part of Exact Sciences
Classification: Pathogenic for SLC3A1-related condition. Last evaluated: 2023-05-16. Review status: criteria provided, single submitter. Criteria: ACMG Guidelines, 2015. Collection method: clinical testing. Allele origin: germline.
Comment: The SLC3A1 c.1400T>A variant is predicted to result in the amino acid substitution p.Met467Lys. This variant was reported in the compound heterozygous and homozygous states in individuals with cystinuria (Calonge et al. 1994. PubMed ID: 8054986; Alghamdi et al. 2020. PubMed ID: 33262960;). In an in vitro model, the p.Met467Lys change was shown to disrupt membrane trafficking of the rBAT protein (Chillarón et al. 1997. PubMed ID: 9083097). This variant is reported in 0.056% of alleles in individuals of South Asian descent in gnomAD. In addition, other missense variants resulting in a different substitution at the same amino acid residue (p.Met467Val, p.Met467Thr, and p.Met467Ile) have also been reported in individuals with cystinuria (Human Gene Mutation Database). Taken together, the c.1400T>A (p.Met467Lys) variant is interpreted as pathogenic.

Biochemical Molecular Genetic Laboratory, King Abdulaziz Medical City
Classification: Pathogenic for Cystinuria. Last evaluated: 2019-09-26. Review status: no assertion criteria provided. Collection method: clinical testing. Allele origin: germline. Affected: yes. Not counted in ClinVar's aggregate classification.

OMIM
Classification: Pathogenic for CYSTINURIA. Last evaluated: 1994-04-01. Review status: no assertion criteria provided. Collection method: literature only. Allele origin: germline. Not counted in ClinVar's aggregate classification.

Genome Diagnostics Laboratory, Amsterdam University Medical Center
Classification: Pathogenic. Review status: no assertion criteria provided. Collection method: clinical testing. Allele origin: germline. Affected: yes. Study: VKGL Data-share Consensus. Not counted in ClinVar's aggregate classification.

Joint Genome Diagnostic Labs from Nijmegen and Maastricht, Radboudumc and MUMC+
Classification: Pathogenic. Review status: no assertion criteria provided. Collection method: clinical testing. Allele origin: germline. Affected: yes. Study: VKGL Data-share Consensus. Not counted in ClinVar's aggregate classification.

Literature cited by the submitters: PubMed 8054986 (cited by Labcorp Genetics (formerly Invitae), Labcorp and OMIM); PubMed 19782624 (cited by Labcorp Genetics (formerly Invitae), Labcorp); PubMed 23532419 (cited by Labcorp Genetics (formerly Invitae), Labcorp); PubMed 28166740 (cited by Labcorp Genetics (formerly Invitae), Labcorp); PubMed 9083097 (cited by Labcorp Genetics (formerly Invitae), Labcorp); PubMed 18332091 (cited by Labcorp Genetics (formerly Invitae), Labcorp); PubMed 8792820 (cited by Labcorp Genetics (formerly Invitae), Labcorp); PubMed 21677404 (cited by Labcorp Genetics (formerly Invitae), Labcorp).

NM_000341.4(SLC3A1):c.1400T>A (p.Met467Lys)

Gene: SLC3A1 (solute carrier family 3 member 1; plus strand). Cytogenetic location: 2p21.
Variant type: single nucleotide variant.
Coding change: c.1400T>A on transcript NM_000341.4 (MANE Select); coding-DNA position 1400, T replaced by A.
Protein change: p.Met467Lys; replaces methionine 467 with lysine.
Molecular consequence: missense variant.
Genome position (GRCh38, 1-based): chr2:44,312,653, T>A. VCF-style: chr2-44312653-T-A. GRCh37 (hg19) VCF-style: chr2-44539792-T-A.
Other names: short protein forms M467K.
Identifiers: ClinVar variation 18116 (VCV000018116.25), dbSNP rs121912691, ClinGen allele CA127831.
Genomic context (GRCh38, chr2:44,312,653, plus strand): 5'-GACCAGACAGTTCACGGCTGACTTCGCGTTTGGGGAATCAGTATGTCAACGTGATGAACA[T>A]GCTTCTTTTCACACTCCCTGGAACTCCTATAACTTACTATGGAGAAGAAATTGGAATGGG-3'
Protein context (NP_000332.2, residues 457-477): LGNQYVNVMN[Met467Lys]LLFTLPGTPI